The following is an entry in ClinVar:

NM_139343.3(BIN1):c.403G>A (p.Asp135Asn)

Gene: BIN1 (bridging integrator 1; minus strand). Cytogenetic location: 2q14.3.
Variant type: single nucleotide variant.
Coding change: c.403G>A on transcript NM_139343.3 (MANE Select); coding-DNA position 403, G replaced by A.
Protein change: p.Asp135Asn; replaces aspartic acid 135 with asparagine.
Molecular consequence: missense variant.
Genome position (GRCh38, 1-based): chr2:127,070,003, C>T on the plus strand (G>A on the coding strand, the complement: BIN1 is on the minus strand). VCF-style: chr2-127070003-C-T. GRCh37 (hg19) VCF-style: chr2-127827579-C-T.
Other names: c.403G>A, p.Asp135Asn (NM_001320632.2, NM_001320633.2, NM_001320640.2 and 10 more transcripts); c.331G>A, p.Asp111Asn (NM_001320634.1); c.322G>A, p.Asp108Asn (NM_001320642.1); short protein forms D108N, D111N, D135N.
Identifiers: ClinVar variation 1918826 (VCV001918826.6), dbSNP rs766894632, ClinGen allele CA1857493.
Genomic context (GRCh38, chr2:127,070,003, plus strand): 5'-CTCCAGTTCCCTCCAGGCCAGAGCAGGGCAGATCTGCAAGTGGGTCTCTCACCTTGATGT[C>T]GGGGAACTGGCCCAGGTACGTGTCCATGGTCAGCAGCGCCTGGTCCACCAGCTTCTGGTG-3'
Protein context (NP_647593.1, residues 125-145): TMDTYLGQFP[Asp135Asn]IKSRIAKRGR

ClinVar aggregate classification (germline): Uncertain significance. Review status: criteria provided, multiple submitters, no conflicts (2 of 4 stars). 2 submissions from 2 submitters: Uncertain significance (2). Last evaluated 2022-09-01.

Conditions:
Myopathy, centronuclear, 2 (CNM2). Also called: MYOTUBULAR MYOPATHY, AUTOSOMAL RECESSIVE. Identifiers: Orphanet 169186, MedGen CN031787, MONDO:0009709, OMIM 255200.
Inborn genetic diseases. Identifiers: MedGen C0950123, MeSH D030342.

Allele frequency attached by ClinVar (database versions not stated): gnomAD 0.00001; TOPMed 0.00001; gnomAD exomes below 0.00001; ExAC 0.00001.
gnomAD v4.1: 8 of 1,613,952 alleles (0.0005%); highest among the groups gnomAD compares: African/African-American, 0.0013%; no homozygotes.

Submissions (2):

Labcorp Genetics (formerly Invitae), Labcorp
Classification: Uncertain significance for Myopathy, centronuclear, 2. Last evaluated: 2022-09-01. Review status: criteria provided, single submitter. Criteria: Invitae Variant Classification Sherloc (09022015). Collection method: clinical testing. Allele origin: germline.
Comment: In summary, the available evidence is currently insufficient to determine the role of this variant in disease. Therefore, it has been classified as a Variant of Uncertain Significance. Algorithms developed to predict the effect of missense changes on protein structure and function are either unavailable or do not agree on the potential impact of this missense change (SIFT: "Deleterious"; PolyPhen-2: "Probably Damaging"; Align-GVGD: "Class C0"). This variant has not been reported in the literature in individuals affected with BIN1-related conditions. This variant is present in population databases (rs766894632, gnomAD 0.003%). This sequence change replaces aspartic acid, which is acidic and polar, with asparagine, which is neutral and polar, at codon 135 of the BIN1 protein (p.Asp135Asn).

Ambry Genetics
Classification: Uncertain significance for Inborn genetic diseases. Last evaluated: 2021-09-16. Review status: criteria provided, single submitter. Criteria: Ambry Variant Classification Scheme 2023. Collection method: clinical testing. Allele origin: germline.